The following is an entry in ClinVar:

NM_003664.5(AP3B1):c.3194G>A (p.Gly1065Asp)

Gene: AP3B1 (adaptor related protein complex 3 subunit beta 1; minus strand). Cytogenetic location: 5q14.1.
Variant type: single nucleotide variant.
Coding change: c.3194G>A on transcript NM_003664.5 (MANE Select); coding-DNA position 3194, G replaced by A.
Protein change: p.Gly1065Asp; replaces glycine 1065 with aspartic acid.
Molecular consequence: missense variant.
Genome position (GRCh38, 1-based): chr5:78,002,993, C>T on the plus strand (G>A on the coding strand, the complement: AP3B1 is on the minus strand). VCF-style: chr5-78002993-C-T. GRCh37 (hg19) VCF-style: chr5-77298817-C-T.
Other names: p.Gly1065Asp; c.3047G>A, p.Gly1016Asp (NM_001271769.2); c.3194G>A (NM_003664.4); short protein forms G1016D, G1065D.
Identifiers: ClinVar variation 1002087 (VCV001002087.8), dbSNP rs761729448, ClinGen allele CA3316532.
Genomic context (GRCh38, chr5:78,002,993, plus strand): 5'-CGCAGCAGAACAGAGCCAATCACAGTTTTCTCAGTGTTTATGATAAGCTGGGCTGTAGAG[C>T]CTTCCTTCAGTTCCACTGTGACTAGCATCAATGACCCACTGTGCACAGTTTTAGCTGCAA-3'
Protein context (NP_003655.3, residues 1055-1075): LMLVTVELKE[Gly1065Asp]STAQLIINTE

ClinVar aggregate classification (germline): Uncertain significance. Review status: criteria provided, multiple submitters, no conflicts (2 of 4 stars). 2 submissions from 2 submitters: Uncertain significance (2). Last evaluated 2025-10-23.

Conditions:
Hermansky-Pudlak syndrome 2 (HPS2). Also called: Platelet defects and oculocutaneous albinism. Identifiers: Orphanet 183678, Orphanet 79430, MedGen C1842362, MONDO:0011997, OMIM 608233.

Allele frequency attached by ClinVar (database versions not stated): ExAC 0.00001; gnomAD 0.00001; gnomAD exomes 0.00001 and 0.00003; TOPMed 0.00002.
gnomAD v4.1: 9 of 1,614,040 alleles (0.00056%); highest among the groups gnomAD compares: Admixed American, 0.013%; no homozygotes.

Submissions (2):

Mayo Clinic Laboratories, Mayo Clinic
Classification: Uncertain significance. Last evaluated: 2025-10-23. Review status: criteria provided, single submitter. Criteria: ACMG Guidelines, 2015. Collection method: clinical testing. Allele origin: germline. Observed: 1 variant allele.
Comment: BP4_moderate, PM2_supporting

Labcorp Genetics (formerly Invitae), Labcorp
Classification: Uncertain significance for Hermansky-Pudlak syndrome 2. Last evaluated: 2022-10-17. Review status: criteria provided, single submitter. Criteria: Invitae Variant Classification Sherloc (09022015). Collection method: clinical testing. Allele origin: germline.
Comment: This sequence change replaces glycine, which is neutral and non-polar, with aspartic acid, which is acidic and polar, at codon 1065 of the AP3B1 protein (p.Gly1065Asp). This variant is present in population databases (rs761729448, gnomAD 0.02%). This variant has not been reported in the literature in individuals affected with AP3B1-related conditions. ClinVar contains an entry for this variant (Variation ID: 1002087). Algorithms developed to predict the effect of missense changes on protein structure and function output the following: SIFT: "Tolerated"; PolyPhen-2: "Probably Damaging"; Align-GVGD: "Class C0". The aspartic acid amino acid residue is found in multiple mammalian species, which suggests that this missense change does not adversely affect protein function. In summary, the available evidence is currently insufficient to determine the role of this variant in disease. Therefore, it has been classified as a Variant of Uncertain Significance.